The following is an entry in ClinVar:

NM_001382430.1(AKT1):c.1378T>C (p.Cys460Arg)

Gene: AKT1 (AKT serine/threonine kinase 1; minus strand). Cytogenetic location: 14q32.33.
Variant type: single nucleotide variant.
Coding change: c.1378T>C on transcript NM_001382430.1 (MANE Select); coding-DNA position 1378, T replaced by C.
Protein change: p.Cys460Arg; replaces cysteine 460 with arginine.
Molecular consequence: missense variant.
Genome position (GRCh38, 1-based): chr14:104,770,406, A>G on the plus strand (T>C on the coding strand, the complement: AKT1 is on the minus strand). VCF-style: chr14-104770406-A-G. GRCh37 (hg19) VCF-style: chr14-105236743-A-G.
Other names: c.1378T>C, p.Cys460Arg (NM_001014431.2, NM_001014432.2, NM_001382431.1 and 3 more transcripts); short protein forms C460R.
Identifiers: ClinVar variation 4267523 (VCV004267523.1).
Genomic context (GRCh38, chr14:104,770,406, plus strand): 5'-CCGTGCCGCTGGCCGAGTAGGAGAACTGGGGGAAGTGGGGCCTGCGCTCGCTGTCCACAC[A>G]CTCCATGCTGTCATCTGTGGGTGTAGACAGCTCAGACCCCGGTGCCCCACCTCCCTGCCA-3'
Protein context (NP_001369359.1, residues 450-470): TPPDQDDSME[Cys460Arg]VDSERRPHFP

ClinVar aggregate classification (germline): Uncertain significance (1 of 4 stars; one submission).

Conditions:
Inborn genetic diseases. Identifiers: MedGen C0950123, MeSH D030342.

gnomAD v4.1: 2 of 1,611,656 alleles (0.00012%); highest among the groups gnomAD compares: Non-Finnish European, 0.00017%; no homozygotes.

Submission:

Ambry Genetics
Classification: Uncertain significance for Inborn genetic diseases. Last evaluated: 2025-06-19. Review status: criteria provided, single submitter. Criteria: Ambry Variant Classification Scheme 2023. Collection method: clinical testing. Allele origin: germline.
Comment: The p.C460R variant (also known as c.1378T>C), located in coding exon 13 of the AKT1 gene, results from a T to C substitution at nucleotide position 1378. The cysteine at codon 460 is replaced by arginine, an amino acid with highly dissimilar properties. This amino acid position is conserved. In addition, this alteration is predicted to be tolerated by in silico analysis. Based on the available evidence, the clinical significance of this variant remains unclear.